The following is an entry in ClinVar:

NM_022114.4(PRDM16):c.2006A>G (p.Tyr669Cys)

Gene: PRDM16 (PR/SET domain 16; plus strand). Cytogenetic location: 1p36.32.
Variant type: single nucleotide variant.
Coding change: c.2006A>G on transcript NM_022114.4 (MANE Select); coding-DNA position 2006, A replaced by G.
Protein change: p.Tyr669Cys; replaces tyrosine 669 with cysteine.
Molecular consequence: missense variant.
Genome position (GRCh38, 1-based): chr1:3,412,203, A>G. VCF-style: chr1-3412203-A-G. GRCh37 (hg19) VCF-style: chr1-3328767-A-G.
Other names: c.2006A>G, p.Tyr669Cys (NM_199454.3); short protein forms Y669C.
Identifiers: ClinVar variation 955922 (VCV000955922.9), dbSNP rs1643702661, ClinGen allele CA337999484.
Genomic context (GRCh38, chr1:3,412,203, plus strand): 5'-TTGGGGGCGGCTTGGCGCCCCCGGGGGCCCCGAACAGCGTGGCCGAGGTGCCTGTCTTCT[A>G]TTCCCAGCACTCATTCTTCCCGCCACCCGACGAGCAGCTGCTGACTGCAACGGGCGCCGC-3'
Protein context (NP_071397.3, residues 659-679): PNSVAEVPVF[Tyr669Cys]SQHSFFPPPD

ClinVar aggregate classification (germline): Uncertain significance (1 of 4 stars; one submission).

Conditions:
Left ventricular noncompaction 8 (LVNC8). Identifiers: Orphanet 154, Orphanet 54260, MedGen C3809288, MONDO:0014152, OMIM 615373.

Allele frequency attached by ClinVar (database versions not stated): gnomAD exomes below 0.00001; TOPMed below 0.00001.
gnomAD v4.1: 1 of 1,602,516 alleles (0.000062%); no homozygotes.

Submission:

Labcorp Genetics (formerly Invitae), Labcorp
Classification: Uncertain significance for Left ventricular noncompaction 8. Last evaluated: 2022-08-15. Review status: criteria provided, single submitter. Criteria: Invitae Variant Classification Sherloc (09022015). Collection method: clinical testing. Allele origin: germline.
Comment: ClinVar contains an entry for this variant (Variation ID: 955922). This variant is not present in population databases (gnomAD no frequency). This variant has not been reported in the literature in individuals affected with PRDM16-related conditions. Algorithms developed to predict the effect of missense changes on protein structure and function are either unavailable or do not agree on the potential impact of this missense change (SIFT: "Deleterious"; PolyPhen-2: "Benign"; Align-GVGD: "Class C65"). In summary, the available evidence is currently insufficient to determine the role of this variant in disease. Therefore, it has been classified as a Variant of Uncertain Significance. This sequence change replaces tyrosine, which is neutral and polar, with cysteine, which is neutral and slightly polar, at codon 669 of the PRDM16 protein (p.Tyr669Cys).